The following is an entry in ClinVar:

NM_000093.5(COL5A1):c.3911C>T (p.Pro1304Leu)

Gene: COL5A1 (collagen type V alpha 1 chain; plus strand). Cytogenetic location: 9q34.3.
Variant type: single nucleotide variant.
Coding change: c.3911C>T on transcript NM_000093.5 (MANE Select); coding-DNA position 3911, C replaced by T.
Protein change: p.Pro1304Leu; replaces proline 1304 with leucine.
Molecular consequence: missense variant.
Genome position (GRCh38, 1-based): chr9:134,814,801, C>T. VCF-style: chr9-134814801-C-T. GRCh37 (hg19) VCF-style: chr9-137706647-C-T.
Other names: c.3911C>T, p.Pro1304Leu (NM_001278074.1); short protein forms P1304L.
Identifiers: ClinVar variation 459684 (VCV000459684.10), dbSNP rs1554805618, ClinGen allele CA375455978.

ClinVar aggregate classification (germline): Uncertain significance (1 of 4 stars; one submission).

Conditions:
Ehlers-Danlos syndrome, classic type, 1 (EDSCL1). Also called: EHLERS-DANLOS SYNDROME, GRAVIS TYPE; EHLERS-DANLOS SYNDROME, SEVERE CLASSIC TYPE; EDS I; Ehlers-Danlos Syndrome, Classic Type, COL5A1-Related; Ehlers-Danlos syndrome, type 1. Identifiers: MedGen C0268335, MONDO:0019567, OMIM 130000.

gnomAD v4.1: 1 of 1,551,538 alleles (0.000064%); no homozygotes.

Submission:

Labcorp Genetics (formerly Invitae), Labcorp
Classification: Uncertain significance for Ehlers-Danlos syndrome, classic type, 1. Last evaluated: 2025-10-26. Review status: criteria provided, single submitter. Criteria: Invitae Variant Classification Sherloc (09022015). Collection method: clinical testing. Allele origin: germline.
Comment: This sequence change replaces proline, which is neutral and non-polar, with leucine, which is neutral and non-polar, at codon 1304 of the COL5A1 protein (p.Pro1304Leu). This variant is not present in population databases (gnomAD no frequency). This variant has not been reported in the literature in individuals affected with COL5A1-related conditions. ClinVar contains an entry for this variant (Variation ID: 459684). Invitae Evidence Modeling of protein sequence and biophysical properties (such as structural, functional, and spatial information, amino acid conservation, physicochemical variation, residue mobility, and thermodynamic stability) indicates that this missense variant is not expected to disrupt COL5A1 protein function with a negative predictive value of 95%. In summary, the available evidence is currently insufficient to determine the role of this variant in disease. Therefore, it has been classified as a Variant of Uncertain Significance.